The following is an entry in ClinVar:

NM_207037.2(TCF12):c.1274A>G (p.Glu425Gly)

Gene: TCF12 (transcription factor 12; plus strand). Cytogenetic location: 15q21.3.
Variant type: single nucleotide variant.
Coding change: c.1274A>G on transcript NM_207037.2 (MANE Select); coding-DNA position 1274, A replaced by G.
Protein change: p.Glu425Gly; replaces glutamic acid 425 with glycine.
Molecular consequence: missense variant.
Genome position (GRCh38, 1-based): chr15:57,253,275, A>G. VCF-style: chr15-57253275-A-G. GRCh37 (hg19) VCF-style: chr15-57545473-A-G.
Other names: c.764A>G, p.Glu255Gly (NM_001306219.3); c.494A>G, p.Glu165Gly (NM_001306220.3); c.1274A>G, p.Glu425Gly (NM_001322151.2, NM_001322152.2, NM_001322159.3 and 2 more transcripts); c.617A>G, p.Glu206Gly (NM_001322154.2); c.1100A>G, p.Glu367Gly (NM_001322156.2); c.1202A>G, p.Glu401Gly (NM_001322157.3, NM_001322165.2, NM_003205.4 and 1 more transcripts); c.1028A>G, p.Glu343Gly (NM_001322158.2); c.1271A>G, p.Glu424Gly (NM_001322161.2); and 2 more; short protein forms E367G, E413G, E165G, E231G, E255G, E425G, E206G, E401G.
Identifiers: ClinVar variation 4704351 (VCV004704351.1).

ClinVar aggregate classification (germline): Uncertain significance (1 of 4 stars; one submission).

gnomAD v4.1: 28 of 1,613,796 alleles (0.0017%); highest among the groups gnomAD compares: Non-Finnish European, 0.0024%; no homozygotes.

Submission:

Labcorp Genetics (formerly Invitae), Labcorp
Classification: Uncertain significance. Last evaluated: 2025-03-18. Review status: criteria provided, single submitter. Criteria: Invitae Variant Classification Sherloc (09022015). Collection method: clinical testing. Allele origin: germline.
Comment: This sequence change replaces glutamic acid, which is acidic and polar, with glycine, which is neutral and non-polar, at codon 425 of the TCF12 protein (p.Glu425Gly). This variant is present in population databases (rs375941841, gnomAD 0.002%). This variant has not been reported in the literature in individuals affected with TCF12-related conditions. Invitae Evidence Modeling of protein sequence and biophysical properties (such as structural, functional, and spatial information, amino acid conservation, physicochemical variation, residue mobility, and thermodynamic stability) has been performed for this missense variant. However, the output from this modeling did not meet the statistical confidence thresholds required to predict the impact of this variant on TCF12 protein function. In summary, the available evidence is currently insufficient to determine the role of this variant in disease. Therefore, it has been classified as a Variant of Uncertain Significance.